The following is an entry in ClinVar:

NM_033026.6(PCLO):c.3574G>C (p.Asp1192His)

Gene: PCLO (piccolo presynaptic cytomatrix protein; minus strand). Cytogenetic location: 7q21.11.
Variant type: single nucleotide variant.
Coding change: c.3574G>C on transcript NM_033026.6 (MANE Select); coding-DNA position 3574, G replaced by C.
Protein change: p.Asp1192His; replaces aspartic acid 1192 with histidine.
Molecular consequence: missense variant.
Genome position (GRCh38, 1-based): chr7:82,966,214, C>G on the plus strand (G>C on the coding strand, the complement: PCLO is on the minus strand). VCF-style: chr7-82966214-C-G. GRCh37 (hg19) VCF-style: chr7-82595530-C-G.
Other names: c.3574G>C, p.Asp1192His (NM_014510.3); c.3574G>C (NM_033026.5); short protein forms D1192H.
Identifiers: ClinVar variation 1900188 (VCV001900188.4), dbSNP rs750671724, ClinGen allele CA4321011.
Genomic context (GRCh38, chr7:82,966,214, plus strand): 5'-TTTTTTCTTGAAGAGCTGAAGCTTTGTCTTTCTCTAGTTTACTCTCTTCTTGTTTTTGAT[C>G]TGTGGTTACCATAGGAGGAATTTTTTCCATTGATAGTGTTTCCTTTACTTTTTCCAGAAT-3'
Protein context (NP_149015.2, residues 1182-1202): MEKIPPMVTT[Asp1192His]QKQEESKLEK

ClinVar aggregate classification (germline): Uncertain significance. Review status: criteria provided, multiple submitters, no conflicts (2 of 4 stars). 2 submissions from 2 submitters: Uncertain significance (2). Last evaluated 2024-11-25.

Conditions:
Inborn genetic diseases. Identifiers: MedGen C0950123, MeSH D030342.

Allele frequency attached by ClinVar (database versions not stated): gnomAD exomes below 0.00001; ExAC 0.00001; gnomAD 0.00001; TOPMed 0.00003.
gnomAD v4.1: 3 of 1,607,582 alleles (0.00019%); highest among the groups gnomAD compares: African/African-American, 0.0041%; no homozygotes.

Submissions (2):

Ambry Genetics
Classification: Uncertain significance for Inborn genetic diseases. Last evaluated: 2024-11-25. Review status: criteria provided, single submitter. Criteria: Ambry Variant Classification Scheme 2023. Collection method: clinical testing. Allele origin: germline.

Labcorp Genetics (formerly Invitae), Labcorp
Classification: Uncertain significance. Last evaluated: 2023-12-11. Review status: criteria provided, single submitter. Criteria: Invitae Variant Classification Sherloc (09022015). Collection method: clinical testing. Allele origin: germline.
Comment: This sequence change replaces aspartic acid, which is acidic and polar, with histidine, which is basic and polar, at codon 1192 of the PCLO protein (p.Asp1192His). This variant is present in population databases (rs750671724, gnomAD 0.007%). This variant has not been reported in the literature in individuals affected with PCLO-related conditions. ClinVar contains an entry for this variant (Variation ID: 1900188). Experimental studies and prediction algorithms are not available or were not evaluated, and the functional significance of this variant is currently unknown. In summary, the available evidence is currently insufficient to determine the role of this variant in disease. Therefore, it has been classified as a Variant of Uncertain Significance.